The following is an entry in ClinVar:

NM_025114.4(CEP290):c.3687G>A (p.Gln1229=)

Gene: CEP290 (centrosomal protein 290; minus strand). Cytogenetic location: 12q21.32.
Variant type: single nucleotide variant.
Coding change: c.3687G>A on transcript NM_025114.4 (MANE Select); coding-DNA position 3687, G replaced by A.
Protein change: p.Gln1229=; no amino-acid change (glutamine 1229 retained).
Molecular consequence: synonymous variant.
Genome position (GRCh38, 1-based): chr12:88,089,374, C>T on the plus strand (G>A on the coding strand, the complement: CEP290 is on the minus strand). VCF-style: chr12-88089374-C-T. GRCh37 (hg19) VCF-style: chr12-88483151-C-T.
Identifiers: ClinVar variation 1146124 (VCV001146124.25), dbSNP rs1345968216, ClinGen allele CA481077028.

ClinVar aggregate classification (germline): Likely benign. Review status: criteria provided, multiple submitters, no conflicts (2 of 4 stars). 2 submissions from 2 submitters: Likely benign (2). Last evaluated 2025-10-01.

Conditions:
Joubert syndrome. Also called: JOUBERT-BOLTSHAUSER SYNDROME; Familial aplasia of the vermis. Identifiers: Orphanet 475, MedGen C5979921, MONDO:0018772.
Meckel-Gruber syndrome. Also called: Dysencephalia splachnocystica; DYSENCEPHALIA SPLANCHNOCYSTICA; GRUBER SYNDROME. Identifiers: Orphanet 564, MedGen C0265215, MONDO:0018921.
Nephronophthisis. Also called: Juvenile Nephronophthisis. Identifiers: Orphanet 655, MedGen C0687120, MONDO:0019005, HP:0000090.

Allele frequency attached by ClinVar (database versions not stated): gnomAD 0.00001; gnomAD exomes 0.00001; TOPMed 0.00001.
gnomAD v4.1: 17 of 1,613,780 alleles (0.0011%); highest among the groups gnomAD compares: Non-Finnish European, 0.0014%; no homozygotes.

Submissions (2):

CeGaT Center for Human Genetics Tuebingen
Classification: Likely benign. Last evaluated: 2025-10-01. Review status: criteria provided, single submitter. Criteria: CeGaT Center For Human Genetics Tuebingen Variant Classification Criteria Version 2. Collection method: clinical testing. Allele origin: germline. Affected: yes. Observed: 2 variant alleles.
Comment: CEP290: BP4, BP7

Labcorp Genetics (formerly Invitae), Labcorp
Classification: Likely benign for Joubert syndrome; Meckel-Gruber syndrome; Nephronophthisis. Last evaluated: 2023-10-08. Review status: criteria provided, single submitter. Criteria: Invitae Variant Classification Sherloc (09022015). Collection method: clinical testing. Allele origin: germline.